The following is an entry in ClinVar:

ClinVar aggregate classification (germline): Uncertain significance (1 of 4 stars; one submission).

Conditions:
Multiple acyl-CoA dehydrogenase deficiency (MADD). Also called: Glutaric acidemia type II; GA 2; Glutaric Acidemia type 2; ETHYLMALONIC-ADIPICACIDURIA; GA II; Glutaric aciduria, type 2. Identifiers: Orphanet 26791, MedGen C0268596, MONDO:0009282, OMIM 231680.

Allele frequency attached by ClinVar (database versions not stated): gnomAD exomes below 0.00001.
gnomAD v4.1: 3 of 1,611,800 alleles (0.00019%); highest among the groups gnomAD compares: South Asian, 0.0033%; no homozygotes.

Submission:

Labcorp Genetics (formerly Invitae), Labcorp
Classification: Uncertain significance for Multiple acyl-CoA dehydrogenase deficiency. Last evaluated: 2021-09-01. Review status: criteria provided, single submitter. Criteria: Invitae Variant Classification Sherloc (09022015). Collection method: clinical testing. Allele origin: germline.
Comment: This sequence change replaces glutamine with glutamic acid at codon 269 of the ETFDH protein (p.Gln269Glu). The glutamine residue is highly conserved and there is a small physicochemical difference between glutamine and glutamic acid. This variant is not present in population databases (ExAC no frequency). This variant has not been reported in the literature in individuals affected with ETFDH-related conditions. Algorithms developed to predict the effect of missense changes on protein structure and function are either unavailable or do not agree on the potential impact of this missense change (SIFT: "Deleterious"; PolyPhen-2: "Probably Damaging"; Align-GVGD: "Class C0"). This variant disrupts the p.Gln269 amino acid residue in ETFDH. Other variant(s) that disrupt this residue have been observed in individuals with ETFDH-related conditions (PMID: 12815589, 24516753), which suggests that this may be a clinically significant amino acid residue. In summary, the available evidence is currently insufficient to determine the role of this variant in disease. Therefore, it has been classified as a Variant of Uncertain Significance.

Literature cited by the submitters: PubMed 12815589; PubMed 24516753.

NM_004453.4(ETFDH):c.805C>G (p.Gln269Glu)

Gene: ETFDH (electron transfer flavoprotein dehydrogenase; plus strand). Cytogenetic location: 4q32.1.
Variant type: single nucleotide variant.
Coding change: c.805C>G on transcript NM_004453.4 (MANE Select); coding-DNA position 805, C replaced by G.
Protein change: p.Gln269Glu; replaces glutamine 269 with glutamic acid.
Molecular consequence: missense variant.
Genome position (GRCh38, 1-based): chr4:158,695,617, C>G. VCF-style: chr4-158695617-C-G. GRCh37 (hg19) VCF-style: chr4-159616769-C-G.
Other names: c.664C>G, p.Gln222Glu (NM_001281737.2); c.622C>G, p.Gln208Glu (NM_001281738.1); short protein forms Q208E, Q222E, Q269E.
Identifiers: ClinVar variation 659652 (VCV000659652.6), dbSNP rs1580411897, ClinGen allele CA358560939.